The following is an entry in ClinVar:

ClinVar aggregate classification (germline): Uncertain significance. Review status: criteria provided, multiple submitters, no conflicts (2 of 4 stars). 2 submissions from 2 submitters: Uncertain significance (2). Last evaluated 2023-09-13.

Conditions:
MGAT2-congenital disorder of glycosylation. Also called: MGAT2-CDG; MENTAL RETARDATION, GROWTH RETARDATION, PROMINENT COLUMELLA, AND OPEN MOUTH; Alkuraya syndrome; CDG IIa; Congenital disorder of glycosylation, type IIa. Identifiers: Orphanet 79329, MedGen C2931008, MONDO:0008908, OMIM 212066.

Allele frequency attached by ClinVar (database versions not stated): ExAC 0.00001; TOPMed 0.00008; 1000 Genomes Project 30x 0.00016; 1000 Genomes Project 0.00020; gnomAD 0.00023 and 0.00026.
gnomAD v4.1: 63 of 1,608,192 alleles (0.0039%); highest among the groups gnomAD compares: Admixed American, 0.069%; no homozygotes.

Submissions (2):

Labcorp Genetics (formerly Invitae), Labcorp
Classification: Uncertain significance for MGAT2-congenital disorder of glycosylation. Last evaluated: 2023-09-13. Review status: criteria provided, single submitter. Criteria: Invitae Variant Classification Sherloc (09022015). Collection method: clinical testing. Allele origin: germline.
Comment: In summary, the available evidence is currently insufficient to determine the role of this variant in disease. Therefore, it has been classified as a Variant of Uncertain Significance. This sequence change replaces glycine, which is neutral and non-polar, with aspartic acid, which is acidic and polar, at codon 49 of the MGAT2 protein (p.Gly49Asp). This variant is present in population databases (rs201411811, gnomAD 0.006%). This variant has not been reported in the literature in individuals affected with MGAT2-related conditions. ClinVar contains an entry for this variant (Variation ID: 972224). An algorithm developed to predict the effect of missense changes on protein structure and function (PolyPhen-2) suggests that this variant¬†is likely to be tolerated.

Fulgent Genetics
Classification: Uncertain significance for MGAT2-congenital disorder of glycosylation. Last evaluated: 2022-01-14. Review status: criteria provided, single submitter. Criteria: ACMG Guidelines, 2015. Collection method: clinical testing. Allele origin: unknown.

NM_002408.4(MGAT2):c.146G>A (p.Gly49Asp)

Gene: MGAT2 (alpha-1,6-mannosyl-glycoprotein 2-beta-N-acetylglucosaminyltransferase; plus strand). Cytogenetic location: 14q21.3.
Variant type: single nucleotide variant.
Coding change: c.146G>A on transcript NM_002408.4 (MANE Select); coding-DNA position 146, G replaced by A.
Protein change: p.Gly49Asp; replaces glycine 49 with aspartic acid.
Molecular consequence: missense variant.
Genome position (GRCh38, 1-based): chr14:49,621,414, G>A. VCF-style: chr14-49621414-G-A. GRCh37 (hg19) VCF-style: chr14-50088132-G-A.
Other names: short protein forms G49D.
Identifiers: ClinVar variation 972224 (VCV000972224.6), dbSNP rs201411811, ClinGen allele CA7172475.